The following is an entry in ClinVar:

NC_000022.11:g.(?_28695117)_(28696997_?)del

Gene: CHEK2 (checkpoint kinase 2; minus strand). Cytogenetic location: 22q12.1.
Variant type: Deletion.
Identifiers: ClinVar variation 655759 (VCV000655759.7).

ClinVar aggregate classification (germline): Pathogenic (1 of 4 stars; one submission).

Conditions:
Familial cancer of breast. Also called: Hereditary breast cancer; hereditary breast carcinoma; BREAST CANCER, FAMILIAL. Identifiers: Orphanet 227535, MedGen C0346153, MONDO:0016419, OMIM 114480. Disease mechanism: loss of function.

Submission:

Labcorp Genetics (formerly Invitae), Labcorp
Classification: Pathogenic for Familial cancer of breast. Last evaluated: 2021-05-19. Review status: criteria provided, single submitter. Criteria: Invitae Variant Classification Sherloc (09022015). Collection method: clinical testing. Allele origin: germline.
Comment: For these reasons, this variant has been classified as Pathogenic. Loss-of-function variants in CHEK2 are known to be pathogenic (PMID: 21876083, 24713400). This variant has not been reported in the literature in individuals with CHEK2-related disease. This variant is an out-of-frame deletion of the genomic region encompassing exons 10-12 of the CHEK2 gene. This is expected to create a premature translational stop signal and result in an absent or disrupted protein product.

Literature cited by the submitters: PubMed 21876083; PubMed 24713400.